The following is an entry in ClinVar:

NM_002439.5(MSH3):c.638T>G (p.Leu213Ter)

Gene: MSH3 (mutS homolog 3; plus strand). Cytogenetic location: 5q14.1.
Variant type: single nucleotide variant.
Coding change: c.638T>G on transcript NM_002439.5 (MANE Select); coding-DNA position 638, T replaced by G.
Protein change: p.Leu213Ter; replaces leucine 213 with a stop codon.
Molecular consequence: nonsense.
Genome position (GRCh38, 1-based): chr5:80,670,155, T>G. VCF-style: chr5-80670155-T-G. GRCh37 (hg19) VCF-style: chr5-79965974-T-G.
Other names: short protein forms L213*.
Identifiers: ClinVar variation 1753236 (VCV001753236.8), dbSNP rs2546721087, ClinGen allele CA360266537.

ClinVar aggregate classification (germline): Pathogenic/Likely pathogenic. Review status: criteria provided, multiple submitters, no conflicts (2 of 4 stars). 4 submissions from 4 submitters: Pathogenic (3); Likely pathogenic (1). Last evaluated 2025-09-08.

Conditions:
Familial adenomatous polyposis 4 (FAP4). Also called: MSH3-related attenuated familial adenomatous polyposis. Identifiers: Orphanet 480536, MedGen C4310719, MONDO:0044300, OMIM 617100.
Hereditary cancer-predisposing syndrome. Also called: Neoplastic Syndromes, Hereditary; Tumor predisposition; Hereditary Cancer Syndrome; Hereditary neoplastic syndrome. Identifiers: Orphanet 140162, MedGen C0027672, MeSH D009386, MONDO:0015356.
Endometrial carcinoma. Also called: Endometrial carcinoma, somatic. Identifiers: MedGen C0476089, MONDO:0002447, OMIM 608089, HP:0012114.

Allele frequency attached by ClinVar (database versions not stated): gnomAD exomes below 0.00001.
gnomAD v4.1: 1 of 1,614,182 alleles (0.000062%); highest among the groups gnomAD compares: Admixed American, 0.0017%; no homozygotes.

Submissions (4):

Ambry Genetics
Classification: Pathogenic for Hereditary cancer-predisposing syndrome. Last evaluated: 2025-09-08. Review status: criteria provided, single submitter. Criteria: Ambry Variant Classification Scheme 2023. Collection method: clinical testing. Allele origin: germline.
Comment: The p.L213* pathogenic mutation (also known as c.638T>G), located in coding exon 4 of the MSH3 gene, results from a T to G substitution at nucleotide position 638. This changes the amino acid from a leucine to a stop codon within coding exon 4. This variant is considered to be rare based on population cohorts in the Genome Aggregation Database (gnomAD). This alteration is expected to result in loss of function by premature protein truncation or nonsense-mediated mRNA decay. As such, this alteration is interpreted as a disease-causing mutation.

Labcorp Genetics (formerly Invitae), Labcorp
Classification: Pathogenic. Last evaluated: 2024-06-26. Review status: criteria provided, single submitter. Criteria: Invitae Variant Classification Sherloc (09022015). Collection method: clinical testing. Allele origin: germline.
Comment: This sequence change creates a premature translational stop signal (p.Leu213*) in the MSH3 gene. It is expected to result in an absent or disrupted protein product. Loss-of-function variants in MSH3 are known to be pathogenic (PMID: 27476653, 37402566). This variant is not present in population databases (gnomAD no frequency). This variant has not been reported in the literature in individuals affected with MSH3-related conditions. ClinVar contains an entry for this variant (Variation ID: 1753236). For these reasons, this variant has been classified as Pathogenic.

Baylor Genetics
Classification: Likely pathogenic for Endometrial carcinoma. Last evaluated: 2024-03-22. Review status: criteria provided, single submitter. Criteria: ACMG Guidelines, 2015. Collection method: clinical testing. Allele origin: unknown.

Myriad Genetics, Inc.
Classification: Pathogenic for Familial adenomatous polyposis 4. Last evaluated: 2023-08-29. Review status: criteria provided, single submitter. Criteria: Myriad Autosomal Dominant, Autosomal Recessive and X-Linked Classification Criteria (2023). Collection method: clinical testing. Allele origin: unknown.
Comment: This variant is considered pathogenic. This variant creates a termination codon and is predicted to result in premature protein truncation.

Literature cited by the submitters: PubMed 27476653 (cited by Labcorp Genetics (formerly Invitae), Labcorp); PubMed 37402566 (cited by Labcorp Genetics (formerly Invitae), Labcorp).